The following is an entry in ClinVar:

ClinVar aggregate classification (germline): Uncertain significance (1 of 4 stars; one submission).

Conditions:
Granulomatous disease, chronic, autosomal recessive, cytochrome b-positive, type 3. Also called: GRANULOMATOUS DISEASE, CHRONIC, AUTOSOMAL RECESSIVE, 3; CGD, AUTOSOMAL RECESSIVE CYTOCHROME b-POSITIVE, TYPE III; GRANULOMATOUS DISEASE, CHRONIC, DUE TO NCF4 DEFICIENCY; Granulomatous disease, chronic, autosomal recessive, cytochrome b-positive, type III. Identifiers: Orphanet 379, MedGen C3151409, MONDO:0013507, OMIM 613960.

Submission:

Labcorp Genetics (formerly Invitae), Labcorp
Classification: Uncertain significance for Granulomatous disease, chronic, autosomal recessive, cytochrome b-positive, type 3. Last evaluated: 2023-02-18. Review status: criteria provided, single submitter. Criteria: Invitae Variant Classification Sherloc (09022015). Collection method: clinical testing. Allele origin: germline.
Comment: In summary, the available evidence is currently insufficient to determine the role of this variant in disease. Therefore, it has been classified as a Variant of Uncertain Significance. An algorithm developed to predict the effect of missense changes on protein structure and function (PolyPhen-2) suggests that this variant is likely to be tolerated. This variant has not been reported in the literature in individuals affected with NCF4-related conditions. This variant is not present in population databases (gnomAD no frequency). This sequence change replaces arginine, which is basic and polar, with serine, which is neutral and polar, at codon 174 of the NCF4 protein (p.Arg174Ser).

NM_000631.5(NCF4):c.522A>C (p.Arg174Ser)

Gene: NCF4 (neutrophil cytosolic factor 4; plus strand). Cytogenetic location: 22q12.3.
Variant type: single nucleotide variant.
Coding change: c.522A>C on transcript NM_000631.5 (MANE Select); coding-DNA position 522, A replaced by C.
Protein change: p.Arg174Ser; replaces arginine 174 with serine.
Molecular consequence: missense variant.
Genome position (GRCh38, 1-based): chr22:36,871,703, A>C. VCF-style: chr22-36871703-A-C. GRCh37 (hg19) VCF-style: chr22-37267745-A-C.
Other names: c.522A>C, p.Arg174Ser (NM_013416.4); short protein forms R174S.
Identifiers: ClinVar variation 2838902 (VCV002838902.3), dbSNP rs2517922150, ClinGen allele CA411385198.